The following is an entry in ClinVar:

NM_000095.3(COMP):c.2161C>T (p.Arg721Cys)

Gene: COMP (cartilage oligomeric matrix protein; minus strand). Cytogenetic location: 19p13.11.
Variant type: single nucleotide variant.
Coding change: c.2161C>T on transcript NM_000095.3 (MANE Select); coding-DNA position 2161, C replaced by T.
Protein change: p.Arg721Cys; replaces arginine 721 with cysteine.
Molecular consequence: missense variant.
Genome position (GRCh38, 1-based): chr19:18,783,120, G>A on the plus strand (C>T on the coding strand, the complement: COMP is on the minus strand). VCF-style: chr19-18783120-G-A. GRCh37 (hg19) VCF-style: chr19-18893930-G-A.
Other names: short protein forms R721C.
Identifiers: ClinVar variation 4698399 (VCV004698399.1).

ClinVar aggregate classification (germline): Uncertain significance (1 of 4 stars; one submission).

gnomAD v4.1: 27 of 1,611,188 alleles (0.0017%); highest among the groups gnomAD compares: African/African-American, 0.004%; no homozygotes.

Submission:

Labcorp Genetics (formerly Invitae), Labcorp
Classification: Uncertain significance. Last evaluated: 2025-09-28. Review status: criteria provided, single submitter. Criteria: Invitae Variant Classification Sherloc (09022015). Collection method: clinical testing. Allele origin: germline.
Comment: This sequence change replaces arginine, which is basic and polar, with cysteine, which is neutral and slightly polar, at codon 721 of the COMP protein (p.Arg721Cys). This variant is present in population databases (rs755950559, gnomAD 0.008%). This variant has not been reported in the literature in individuals affected with COMP-related conditions. Invitae Evidence Modeling of protein sequence and biophysical properties (such as structural, functional, and spatial information, amino acid conservation, physicochemical variation, residue mobility, and thermodynamic stability) indicates that this missense variant is expected to disrupt COMP protein function with a positive predictive value of 80%. In summary, the available evidence is currently insufficient to determine the role of this variant in disease. Therefore, it has been classified as a Variant of Uncertain Significance.